The following is an entry in ClinVar:

NM_001378454.1(ALMS1):c.450G>C (p.Gln150His)

Gene: ALMS1 (ALMS1 centrosome and basal body associated protein; plus strand). Cytogenetic location: 2p13.1.
Variant type: single nucleotide variant.
Coding change: c.450G>C on transcript NM_001378454.1 (MANE Select); coding-DNA position 450, G replaced by C.
Protein change: p.Gln150His; replaces glutamine 150 with histidine.
Molecular consequence: missense variant.
Genome position (GRCh38, 1-based): chr2:73,408,747, G>C. VCF-style: chr2-73408747-G-C. GRCh37 (hg19) VCF-style: chr2-73635875-G-C.
Other names: c.453G>C, p.Gln151His (NM_015120.4); short protein forms Q150H, Q151H.
Identifiers: ClinVar variation 2228732 (VCV002228732.2), dbSNP rs1572904645, ClinGen allele CA347257751.

ClinVar aggregate classification (germline): Uncertain significance (1 of 4 stars; one submission).

Conditions:
Cardiovascular phenotype. Identifiers: MedGen CN230736.

gnomAD v4.1: 1 of 1,609,700 alleles (0.000062%); no homozygotes.

Submission:

Ambry Genetics
Classification: Uncertain significance for Cardiovascular phenotype. Last evaluated: 2021-01-11. Review status: criteria provided, single submitter. Criteria: Ambry Variant Classification Scheme 2023. Collection method: clinical testing. Allele origin: germline.
Comment: The c.453G>C (p.Q151H) alteration is located in exon 2 (coding exon 2) of the ALMS1 gene. This alteration results from a G to C substitution at nucleotide position 453, causing the glutamine (Q) at amino acid position 151 to be replaced by a histidine (H). The p.Q151H alteration is predicted to be tolerated by in silico analysis. Based on insufficient or conflicting evidence, the clinical significance of this alteration remains unclear.